The following is an entry in ClinVar:

NM_004168.4(SDHA):c.1687del (p.Val563fs)

Gene: SDHA (succinate dehydrogenase complex flavoprotein subunit A; plus strand). Cytogenetic location: 5p15.33.
Variant type: Deletion.
Coding change: c.1687del on transcript NM_004168.4 (MANE Select); coding-DNA position 1687, one base deleted (G; older notation c.1687delG).
Protein change: p.Val563fs; shifts the reading frame from valine 563.
Molecular consequence: frameshift variant. On other transcripts: intron variant (1).
Genome position (GRCh38, 1-based): chr5:251,361, G deleted; the last of 2 consecutive G bases (chr5:251,360-251,361); deleting either gives the same sequence. VCF-style (leftmost placement, unchanged base first): chr5-251359-TG-T. GRCh37 (hg19) VCF-style: chr5-251474-TG-T.
Other names: c.1543del, p.Val515fs (NM_001294332.2); c.1552-3032del (NM_001330758.2); short protein forms V563fs, V515fs.
Identifiers: ClinVar variation 3793528 (VCV003793528.1).
Genomic context (GRCh38, chr5:251,359, plus strand): 5'-GGTCCCGCCTGCCCCTGATGGAACTTTTTGTGTCCCCAGGAATGGTCTGGAACACGGACC[TG>T]GTGGAGACCCTGGAGCTGCAGAACCTGATGCTGTGTGCGCTGCAGACCATCTACGGAGCA-3'

ClinVar aggregate classification (germline): Pathogenic (1 of 4 stars; one submission).

Conditions:
Hereditary cancer-predisposing syndrome. Also called: Neoplastic Syndromes, Hereditary; Hereditary Cancer Syndrome; Tumor predisposition; Hereditary neoplastic syndrome. Identifiers: Orphanet 140162, MedGen C0027672, MeSH D009386, MONDO:0015356.

Submission:

Ambry Genetics
Classification: Pathogenic for Hereditary cancer-predisposing syndrome. Last evaluated: 2024-12-17. Review status: criteria provided, single submitter. Criteria: Ambry Variant Classification Scheme 2023. Collection method: clinical testing. Allele origin: germline.
Comment: The c.1687delG pathogenic mutation, located in coding exon 13 of the SDHA gene, results from a deletion of one nucleotide at nucleotide position 1687, causing a translational frameshift with a predicted alternate stop codon (p.V563Wfs*9). This variant is considered to be rare based on population cohorts in the Genome Aggregation Database (gnomAD). This alteration is expected to result in loss of function by premature protein truncation or nonsense-mediated mRNA decay. As such, this alteration is interpreted as a disease-causing mutation.